The following is an entry in ClinVar:

ClinVar aggregate classification (germline): Uncertain significance (1 of 4 stars; one submission).

gnomAD v4.1: 2 of 1,608,934 alleles (0.00012%); highest among the groups gnomAD compares: South Asian, 0.0022%; no homozygotes.

Submission:

Ambry Genetics
Classification: Uncertain significance. Last evaluated: 2025-03-19. Review status: criteria provided, single submitter. Criteria: Ambry Variant Classification Scheme 2023. Collection method: clinical testing. Allele origin: germline.
Comment: The c.853+3A>G intronic variant results from an A to G substitution 3 nucleotides after coding exon 7 in the RAD51B gene. This nucleotide position is highly conserved in available vertebrate species. In silico splice site analysis predicts that this alteration will not have any significant effect on splicing. The evidence for this gene-disease relationship is limited; therefore, the clinical significance of this alteration is unclear.

NM_133510.4(RAD51B):c.853+3A>G

Gene: RAD51B (RAD51 paralog B; plus strand). Cytogenetic location: 14q24.1.
Variant type: single nucleotide variant.
Coding change: c.853+3A>G on transcript NM_133510.4 (MANE Select); 3 bases into the intron after coding-DNA position 853, A replaced by G.
Molecular consequence: intron variant.
Genome position (GRCh38, 1-based): chr14:68,291,983, A>G. VCF-style: chr14-68291983-A-G. GRCh37 (hg19) VCF-style: chr14-68758700-A-G.
Other names: c.853+3A>G (NM_001321818.2, NM_001321809.2, NM_001321821.2 and 6 more transcripts); c.496+3A>G (NM_001321817.2); c.739+3A>G (NM_001321815.1).
Identifiers: ClinVar variation 3942253 (VCV003942253.1).